The following is an entry in ClinVar:

ClinVar aggregate classification (germline): Uncertain significance (1 of 4 stars; one submission).

Conditions:
Neutral lipid storage myopathy (NLSDM). Also called: NEUTRAL LIPID STORAGE DISEASE WITHOUT ICHTHYOSIS. Identifiers: Orphanet 98908, MedGen C1853136, MONDO:0012545, OMIM 610717.

gnomAD v4.1: 1 of 1,607,494 alleles (0.000062%); highest among the groups gnomAD compares: Non-Finnish European, 0.000085%; no homozygotes.

Submission:

Petrovsky National Research Centre of Surgery, The Federal Agency for Scientific Organizations
Classification: Uncertain significance for Neutral lipid storage myopathy. Last evaluated: 2026-07-31. Review status: criteria provided, single submitter. Criteria: ACMG Guidelines, 2015. Collection method: clinical testing. Allele origin: germline. Inheritance: Autosomal recessive inheritance. Affected: yes. Observed: 1 variant allele, 1 heterozygote.
Comment: The c.770G>C (p.Arg257Pro) genetic variant in the PNPLA2 gene is not observed at significant frequency in large population cohorts (gnomAD v4.0.0). For these reasons, this variant has been classified as a Variant of Uncertain Significance.

NM_020376.4(PNPLA2):c.770G>C (p.Arg257Pro)

Gene: PNPLA2 (patatin like domain 2, triacylglycerol lipase; plus strand). Cytogenetic location: 11p15.5.
Variant type: single nucleotide variant.
Coding change: c.770G>C on transcript NM_020376.4 (MANE Select); coding-DNA position 770, G replaced by C.
Protein change: p.Arg257Pro; replaces arginine 257 with proline.
Molecular consequence: missense variant.
Genome position (GRCh38, 1-based): chr11:823,706, G>C. VCF-style: chr11-823706-G-C. GRCh37 (hg19) VCF-style: chr11-823706-G-C.
Other names: p.Arg257Pro; short protein forms R257P.
Identifiers: ClinVar variation 5043508 (VCV005043508.1).
Genomic context (GRCh38, chr11:823,706, plus strand): 5'-CCGCGGCCGCGCTGATGAACTGAGAATCCCTTCTCTCCCCAACCCCAGGCCTCCTGAACC[G>C]GCCCAACCCCTTGCTGGCGTTGCCCCCCGCCCGCCCCCACGGCCCAGAGGACAAGGACCA-3'
Protein context (NP_065109.1, residues 247-267): RFLQRNGLLN[Arg257Pro]PNPLLALPPA